The following is an entry in ClinVar:

NM_022114.4(PRDM16):c.532T>C (p.Cys178Arg)

Gene: PRDM16 (PR/SET domain 16; plus strand). Cytogenetic location: 1p36.32.
Variant type: single nucleotide variant.
Coding change: c.532T>C on transcript NM_022114.4 (MANE Select); coding-DNA position 532, T replaced by C.
Protein change: p.Cys178Arg; replaces cysteine 178 with arginine.
Molecular consequence: missense variant.
Genome position (GRCh38, 1-based): chr1:3,385,245, T>C. VCF-style: chr1-3385245-T-C. GRCh37 (hg19) VCF-style: chr1-3301809-T-C.
Other names: c.532T>C, p.Cys178Arg (NM_199454.3); short protein forms C178R.
Identifiers: ClinVar variation 1940456 (VCV001940456.5), dbSNP rs2523761087, ClinGen allele CA338000726.
Genomic context (GRCh38, chr1:3,385,245, plus strand): 5'-GTGGATGCAAATCAGGCGGGGGCTGGCAGCTGGCTCAAGTACATCCGTGTGGCGTGCTCC[T>C]GCGATGACCAGAACCTCACCATGTGTCAGATCAGTGAGCAGGTAGGTCCGGGCTCATAAC-3'
Protein context (NP_071397.3, residues 168-188): WLKYIRVACS[Cys178Arg]DDQNLTMCQI

ClinVar aggregate classification (germline): Uncertain significance (1 of 4 stars; one submission).

Conditions:
Left ventricular noncompaction 8 (LVNC8). Identifiers: Orphanet 154, Orphanet 54260, MedGen C3809288, MONDO:0014152, OMIM 615373.

Submission:

Labcorp Genetics (formerly Invitae), Labcorp
Classification: Uncertain significance for Left ventricular noncompaction 8. Last evaluated: 2022-02-20. Review status: criteria provided, single submitter. Criteria: Invitae Variant Classification Sherloc (09022015). Collection method: clinical testing. Allele origin: germline.
Comment: In summary, the available evidence is currently insufficient to determine the role of this variant in disease. Therefore, it has been classified as a Variant of Uncertain Significance. Algorithms developed to predict the effect of missense changes on protein structure and function output the following: SIFT: "Tolerated"; PolyPhen-2: "Benign"; Align-GVGD: "Class C0". The arginine amino acid residue is found in multiple mammalian species, which suggests that this missense change does not adversely affect protein function. This variant has not been reported in the literature in individuals affected with PRDM16-related conditions. This variant is not present in population databases (gnomAD no frequency). This sequence change replaces cysteine, which is neutral and slightly polar, with arginine, which is basic and polar, at codon 178 of the PRDM16 protein (p.Cys178Arg).